The following is an entry in ClinVar:

ClinVar aggregate classification (germline): Pathogenic (1 of 4 stars; one submission).

Submission:

GeneDx
Classification: Pathogenic. Last evaluated: 2016-08-08. Review status: criteria provided, single submitter. Criteria: GeneDx Variant Classification (06012015). Collection method: clinical testing. Allele origin: germline. Affected: yes.
Comment: The G303X variant in the HDAC8 gene has not been reported previously as a pathogenic variant nor as a benign variant, to our knowledge. This variant is predicted to cause loss of normal protein function either through protein truncation or nonsense-mediated mRNA decay. The G303X variant was not observed in approximately 6500 individuals of European and African American ancestry in the NHLBI Exome Sequencing Project, indicating it is not a common benign variant in these populations. We interpret G303X as a pathogenic variant.

NM_018486.3(HDAC8):c.907G>T (p.Gly303Ter)

Gene: HDAC8 (histone deacetylase 8; minus strand). Cytogenetic location: Xq13.1.
Variant type: single nucleotide variant.
Coding change: c.907G>T on transcript NM_018486.3 (MANE Select); coding-DNA position 907, G replaced by T.
Protein change: p.Gly303Ter; replaces glycine 303 with a stop codon.
Molecular consequence: nonsense. On other transcripts: non-coding transcript variant (1).
Genome position (GRCh38, 1-based): chrX:72,464,562, C>A on the plus strand (G>T on the coding strand, the complement: HDAC8 is on the minus strand). VCF-style: chrX-72464562-C-A. GRCh37 (hg19) VCF-style: chrX-71684412-C-A.
Other names: c.634G>T, p.Gly212Ter (NM_001166418.2); short protein forms G303*, G212*.
Identifiers: ClinVar variation 265658 (VCV000265658.2), dbSNP rs886039706, ClinGen allele CA10588800.